The following is an entry in ClinVar:

ClinVar aggregate classification (germline): Likely pathogenic (1 of 4 stars; one submission).

Conditions:
Dilated cardiomyopathy 1G (CMD1G). Identifiers: Orphanet 154, MedGen C1858763, MONDO:0011400, OMIM 604145.

Submission:

Labcorp Genetics (formerly Invitae), Labcorp
Classification: Likely pathogenic for Dilated cardiomyopathy 1G. Last evaluated: 2017-06-19. Review status: criteria provided, single submitter. Criteria: Invitae Variant Classification Sherloc (09022015). Collection method: clinical testing. Allele origin: germline.
Comment: This sequence change creates a premature translational stop signal (p.Pro21269Leufs*5) in the TTN gene. It is expected to result in a disrupted protein product. This variant is not present in population databases (ExAC no frequency). This variant has not been reported in the literature in individuals with a TTN-related disease. This variant is found in the A-band of this gene. While this particular variant has not been reported in the literature, truncating variants in the A-band of TTN are significantly overrepresented in patients with dilated cardiomyopathy and are considered to be likely pathogenic for the disease (PMID: 25589632). For these reasons, this variant has been classified as Likely Pathogenic.

NM_001267550.2(TTN):c.63801del (p.Pro21269fs)

Genes: TTN-AS1 (TTN antisense RNA 1; plus strand), TTN (titin; minus strand). Cytogenetic location: 2q31.2.
Variant type: Deletion.
Coding change: c.63801del on transcript NM_001267550.2 (MANE Select); coding-DNA position 63801, one base deleted (T; older notation c.63801delT).
Protein change: p.Pro21269fs; shifts the reading frame from proline 21269.
Molecular consequence: frameshift variant.
Genome position (GRCh38, 1-based): chr2:178,587,410, A deleted on the plus strand (T on the coding strand, the reverse complement: TTN is on the minus strand). VCF-style (leftmost placement, unchanged base first): chr2-178587409-CA-C. GRCh37 (hg19) VCF-style: chr2-179452136-CA-C.
Other names: c.58878del, p.Pro19628fs (NM_001256850.1); c.36606del, p.Pro12204fs (NM_003319.4); c.56097del, p.Pro18701fs (NM_133378.4); c.36981del, p.Pro12329fs (NM_133432.3); c.37182del, p.Pro12396fs (NM_133437.4); c.63801delT (NM_001267550.2); short protein forms P12204fs, P12396fs, P19628fs, P12329fs, P18701fs, P21269fs.
Identifiers: ClinVar variation 466648 (VCV000466648.1), dbSNP rs1553636843, ClinGen allele CA658657151.